The following is an entry in ClinVar:

ClinVar aggregate classification (germline): Likely benign. Review status: criteria provided, multiple submitters, no conflicts (2 of 4 stars). 3 submissions from 3 submitters: Likely benign (3). Last evaluated 2025-11-04.

gnomAD v4.1: 9 of 1,612,900 alleles (0.00056%); highest among the groups gnomAD compares: East Asian, 0.0022%; no homozygotes.

Submissions (3):

Labcorp Genetics (formerly Invitae), Labcorp
Classification: Likely benign. Last evaluated: 2025-11-04. Review status: criteria provided, single submitter. Criteria: Invitae Variant Classification Sherloc (09022015). Collection method: clinical testing. Allele origin: germline.

CeGaT Center for Human Genetics Tuebingen
Classification: Likely benign. Last evaluated: 2025-11-01. Review status: criteria provided, single submitter. Criteria: CeGaT Center For Human Genetics Tuebingen Variant Classification Criteria Version 2. Collection method: clinical testing. Allele origin: germline. Affected: yes. Observed: 1 variant allele.
Comment: RNASEH1: BP4, BP7

Blueprint Genetics
Classification: Likely benign. Last evaluated: 2021-07-19. Review status: criteria provided, single submitter. Criteria: ACMG Guidelines, 2015. Collection method: clinical testing. Allele origin: germline.

NM_002936.6(RNASEH1):c.231G>A (p.Pro77=)

Gene: RNASEH1 (ribonuclease H1; minus strand). Cytogenetic location: 2p25.3.
Variant type: single nucleotide variant.
Coding change: c.231G>A on transcript NM_002936.6 (MANE Select); coding-DNA position 231, G replaced by A.
Protein change: p.Pro77=; no amino-acid change (proline 77 retained).
Molecular consequence: synonymous variant. On other transcripts: non-coding transcript variant (6), 5 prime UTR variant (1).
Genome position (GRCh38, 1-based): chr2:3,556,802, C>T on the plus strand (G>A on the coding strand, the complement: RNASEH1 is on the minus strand). VCF-style: chr2-3556802-C-T. GRCh37 (hg19) VCF-style: chr2-3604392-C-T.
Other names: c.231G>A, p.Pro77= (NM_001378272.1, NM_001378273.1, NM_001378271.1); c.153G>A, p.Pro51= (NM_001286834.3); c.-121G>A (NM_001286837.3).
Identifiers: ClinVar variation 4534760 (VCV004534760.8).